The following is an entry in ClinVar:

NM_032581.4(HYCC1):c.*3001A>G

Gene: HYCC1 (hyccin PI4KA lipid kinase complex subunit 1; minus strand). Cytogenetic location: 7p15.3.
Variant type: single nucleotide variant.
Coding change: c.*3001A>G on transcript NM_032581.4 (MANE Select); 3001 bases downstream of the stop codon, A replaced by G.
Molecular consequence: 3 prime UTR variant.
Genome position (GRCh38, 1-based): chr7:22,942,588, T>C on the plus strand (A>G on the coding strand, the complement: HYCC1 is on the minus strand). VCF-style: chr7-22942588-T-C. GRCh37 (hg19) VCF-style: chr7-22982207-T-C.
Other names: c.*3603A>G (NM_001363466.2); c.*3561A>G (NM_001363467.2).
Identifiers: ClinVar variation 359725 (VCV000359725.5), dbSNP rs2286495, ClinGen allele CA10623656.

ClinVar aggregate classification (germline): Benign (1 of 4 stars; one submission).

Conditions:
Hypomyelination and Congenital Cataract (HLD5). Also called: hypomyelinating leukodystrophy 5. Identifiers: Orphanet 85163, MedGen C1864663, MONDO:0012514, OMIM 610532.

Allele frequency attached by ClinVar (database versions not stated): gnomAD exomes 0.16667; gnomAD 0.39069 and 0.39376; TOPMed 0.39618; 1000 Genomes Project 30x 0.42224; 1000 Genomes Project 0.42772.
gnomAD v4.1: 59,841 of 151,988 alleles (39%); highest among the groups gnomAD compares: East Asian, 51%; 11,747 homozygotes.

Submission:

Illumina Laboratory Services, Illumina
Classification: Benign for Hypomyelination and Congenital Cataract. Last evaluated: 2018-01-13. Review status: criteria provided, single submitter. Criteria: ICSL Variant Classification Criteria 13 December 2019. Collection method: clinical testing. Allele origin: germline.
Comment: This variant was observed in the ICSL laboratory as part of a predisposition screen in an ostensibly healthy population. It had not been previously curated by ICSL or reported in the Human Gene Mutation Database (HGMD: prior to June 1st, 2018), and was therefore a candidate for classification through an automated scoring system. Utilizing variant allele frequency, disease prevalence and penetrance estimates, and inheritance mode, an automated score was calculated to assess if this variant is too frequent to cause the disease. Based on the score and internal cut-off values, a variant classified as benign is not then subjected to further curation. The score for this variant resulted in a classification of benign for this disease.